The following is an entry in ClinVar:

ClinVar aggregate classification (germline): Uncertain significance (1 of 4 stars; one submission).

Allele frequency attached by ClinVar (database versions not stated): TOPMed below 0.00001; gnomAD 0.00007; gnomAD exomes 0.00013 and 0.00023; ExAC 0.00035.
gnomAD v4.1: 201 of 1,614,000 alleles (0.012%); highest among the groups gnomAD compares: South Asian, 0.18%; 2 homozygotes.

Submission:

Labcorp Genetics (formerly Invitae), Labcorp
Classification: Uncertain significance. Last evaluated: 2025-08-04. Review status: criteria provided, single submitter. Criteria: Invitae Variant Classification Sherloc (09022015). Collection method: clinical testing. Allele origin: germline.
Comment: This sequence change replaces threonine, which is neutral and polar, with isoleucine, which is neutral and non-polar, at codon 154 of the SEC24D protein (p.Thr154Ile). This variant is present in population databases (rs571583345, gnomAD 0.2%), including at least one homozygous and/or hemizygous individual. This variant has not been reported in the literature in individuals affected with SEC24D-related conditions. ClinVar contains an entry for this variant (Variation ID: 1440011). An algorithm developed to predict the effect of missense changes on protein structure and function (PolyPhen-2) suggests that this variant is likely to be tolerated. In summary, the available evidence is currently insufficient to determine the role of this variant in disease. Therefore, it has been classified as a Variant of Uncertain Significance.

NM_014822.4(SEC24D):c.461C>T (p.Thr154Ile)

Gene: SEC24D (SEC24 homolog D, COPII component; minus strand). Cytogenetic location: 4q26.
Variant type: single nucleotide variant.
Coding change: c.461C>T on transcript NM_014822.4 (MANE Select); coding-DNA position 461, C replaced by T.
Protein change: p.Thr154Ile; replaces threonine 154 with isoleucine.
Molecular consequence: missense variant.
Genome position (GRCh38, 1-based): chr4:118,815,663, G>A on the plus strand (C>T on the coding strand, the complement: SEC24D is on the minus strand). VCF-style: chr4-118815663-G-A. GRCh37 (hg19) VCF-style: chr4-119736818-G-A.
Other names: c.461C>T, p.Thr154Ile (NM_001318066.2); short protein forms T154I.
Identifiers: ClinVar variation 1440011 (VCV001440011.5), dbSNP rs571583345, ClinGen allele CA3057530.